The following is an entry in ClinVar:

NM_013266.4(CTNNA3):c.431T>C (p.Val144Ala)

Gene: CTNNA3 (catenin alpha 3; minus strand). Cytogenetic location: 10q21.3.
Variant type: single nucleotide variant.
Coding change: c.431T>C on transcript NM_013266.4 (MANE Select); coding-DNA position 431, T replaced by C.
Protein change: p.Val144Ala; replaces valine 144 with alanine.
Molecular consequence: missense variant.
Genome position (GRCh38, 1-based): chr10:67,539,531, A>G on the plus strand (T>C on the coding strand, the complement: CTNNA3 is on the minus strand). VCF-style: chr10-67539531-A-G. GRCh37 (hg19) VCF-style: chr10-69299289-A-G.
Other names: c.431T>C, p.Val144Ala (NM_001127384.3); c.467T>C, p.Val156Ala (NM_001291133.2); c.431T>C (NM_013266.2); short protein forms V144A, V156A.
Identifiers: ClinVar variation 1064036 (VCV001064036.9), dbSNP rs758058375, ClinGen allele CA5520625.
Genomic context (GRCh38, chr10:67,539,531, plus strand): 5'-TGCCAAGGTAAACTAAGCCATCTTTTACTTACAGCTGACACATGTTGCAAGAGGCACATG[A>G]CATCAATCATGTCCGCAAGGATAAGGAGTCTCGTCACCGCAGCCAGCAAGGCACGGGCAG-3'
Protein context (NP_037398.2, residues 134-154): RLLILADMID[Val144Ala]MCLLQHVSAF

ClinVar aggregate classification (germline): Uncertain significance. Review status: criteria provided, multiple submitters, no conflicts (2 of 4 stars). 3 submissions from 3 submitters: Uncertain significance (3). Last evaluated 2025-10-02.

Conditions:
Arrhythmogenic right ventricular dysplasia 13. Also called: Arrhythmogenic right ventricular dysplasia, familial, 13; ARRHYTHMOGENIC RIGHT VENTRICULAR CARDIOMYOPATHY 13. Identifiers: MedGen C3810138, MONDO:0000908, OMIM 615616.

Allele frequency attached by ClinVar (database versions not stated): gnomAD exomes below 0.00001; ExAC 0.00001.
gnomAD v4.1: 9 of 1,613,626 alleles (0.00056%); highest among the groups gnomAD compares: East Asian, 0.0022%; no homozygotes.

Submissions (3):

Labcorp Genetics (formerly Invitae), Labcorp
Classification: Uncertain significance for Arrhythmogenic right ventricular dysplasia 13. Last evaluated: 2025-10-02. Review status: criteria provided, single submitter. Criteria: Invitae Variant Classification Sherloc (09022015). Collection method: clinical testing. Allele origin: germline.
Comment: This sequence change replaces valine, which is neutral and non-polar, with alanine, which is neutral and non-polar, at codon 144 of the CTNNA3 protein (p.Val144Ala). This variant is present in population databases (rs758058375, gnomAD no frequency). This variant has not been reported in the literature in individuals affected with CTNNA3-related conditions. ClinVar contains an entry for this variant (Variation ID: 1064036). Invitae Evidence Modeling of protein sequence and biophysical properties (such as structural, functional, and spatial information, amino acid conservation, physicochemical variation, residue mobility, and thermodynamic stability) indicates that this missense variant is not expected to disrupt CTNNA3 protein function with a negative predictive value of 80%. In summary, the available evidence is currently insufficient to determine the role of this variant in disease. Therefore, it has been classified as a Variant of Uncertain Significance.

Ambry Genetics
Classification: Uncertain significance. Last evaluated: 2024-07-25. Review status: criteria provided, single submitter. Criteria: Ambry Variant Classification Scheme 2023. Collection method: clinical testing. Allele origin: germline.

Fulgent Genetics
Classification: Uncertain significance for Arrhythmogenic right ventricular dysplasia 13. Last evaluated: 2021-08-13. Review status: criteria provided, single submitter. Criteria: ACMG Guidelines, 2015. Collection method: clinical testing. Allele origin: unknown.